The following is an entry in ClinVar:

NM_022095.4(ZNF335):c.2911G>A (p.Gly971Ser)

Gene: ZNF335 (zinc finger protein 335; minus strand). Cytogenetic location: 20q13.12.
Variant type: single nucleotide variant.
Coding change: c.2911G>A on transcript NM_022095.4 (MANE Select); coding-DNA position 2911, G replaced by A.
Protein change: p.Gly971Ser; replaces glycine 971 with serine.
Molecular consequence: missense variant.
Genome position (GRCh38, 1-based): chr20:45,952,425, C>T on the plus strand (G>A on the coding strand, the complement: ZNF335 is on the minus strand). VCF-style: chr20-45952425-C-T. GRCh37 (hg19) VCF-style: chr20-44581064-C-T.
Other names: c.2911G>A (NM_022095.3); short protein forms G971S.
Identifiers: ClinVar variation 2150344 (VCV002150344.2), dbSNP rs776674000, ClinGen allele CA9885207.

ClinVar aggregate classification (germline): Uncertain significance. Review status: criteria provided, multiple submitters, no conflicts (2 of 4 stars). 2 submissions from 2 submitters: Uncertain significance (2). Last evaluated 2022-10-05.

Conditions:
Inborn genetic diseases. Identifiers: MedGen C0950123, MeSH D030342.

Allele frequency attached by ClinVar (database versions not stated): gnomAD 0.00005; gnomAD exomes 0.00006; TOPMed 0.00006; ExAC 0.00008.
gnomAD v4.1: 99 of 1,572,798 alleles (0.0063%); highest among the groups gnomAD compares: Middle Eastern, 0.15%; 1 homozygote.

Submissions (2):

Labcorp Genetics (formerly Invitae), Labcorp
Classification: Uncertain significance. Last evaluated: 2022-10-05. Review status: criteria provided, single submitter. Criteria: Invitae Variant Classification Sherloc (09022015). Collection method: clinical testing. Allele origin: germline.
Comment: This sequence change replaces glycine, which is neutral and non-polar, with serine, which is neutral and polar, at codon 971 of the ZNF335 protein (p.Gly971Ser). This variant is present in population databases (rs776674000, gnomAD 0.04%). This variant has not been reported in the literature in individuals affected with ZNF335-related conditions. Advanced modeling of protein sequence and biophysical properties (such as structural, functional, and spatial information, amino acid conservation, physicochemical variation, residue mobility, and thermodynamic stability) performed at Invitae indicates that this missense variant is not expected to disrupt ZNF335 protein function. In summary, the available evidence is currently insufficient to determine the role of this variant in disease. Therefore, it has been classified as a Variant of Uncertain Significance.

Ambry Genetics
Classification: Uncertain significance for Inborn genetic diseases. Last evaluated: 2021-12-06. Review status: criteria provided, single submitter. Criteria: Ambry Variant Classification Scheme 2023. Collection method: clinical testing. Allele origin: germline.